The following is an entry in ClinVar:

NM_015909.4(NBAS):c.1877+2T>C

Gene: NBAS (NBAS subunit of NRZ tethering complex; minus strand). Cytogenetic location: 2p24.3.
Variant type: single nucleotide variant.
Coding change: c.1877+2T>C on transcript NM_015909.4 (MANE Select); the canonical splice donor site of the intron after coding-DNA position 1877, T replaced by C.
Molecular consequence: splice donor variant.
Genome position (GRCh38, 1-based): chr2:15,468,380, A>G on the plus strand (T>C on the coding strand, the complement: NBAS is on the minus strand). VCF-style: chr2-15468380-A-G. GRCh37 (hg19) VCF-style: chr2-15608504-A-G.
Identifiers: ClinVar variation 2867991 (VCV002867991.3), dbSNP rs1454879222, ClinGen allele CA345883933.
Genomic context (GRCh38, chr2:15,468,380, plus strand): 5'-CTCAGTACAAAAGTTTTCACAAAGTCACCTTTACTTTGAATCCAATTCTTTCTGTAACCA[A>G]CCTGCCATCATCTGCTCCTTTCCCTATTGCTAAAAGAGCCTCCAGGTCTGTGCCTTTTAA-3'

ClinVar aggregate classification (germline): Likely pathogenic (1 of 4 stars; one submission).

Allele frequency attached by ClinVar (database versions not stated): gnomAD exomes below 0.00001; TOPMed below 0.00001.
gnomAD v4.1: 4 of 1,613,960 alleles (0.00025%); highest among the groups gnomAD compares: Admixed American, 0.0017%; no homozygotes.

Submission:

Labcorp Genetics (formerly Invitae), Labcorp
Classification: Likely pathogenic. Last evaluated: 2023-01-16. Review status: criteria provided, single submitter. Criteria: Invitae Variant Classification Sherloc (09022015). Collection method: clinical testing. Allele origin: germline.
Comment: In summary, the currently available evidence indicates that the variant is pathogenic, but additional data are needed to prove that conclusively. Therefore, this variant has been classified as Likely Pathogenic. Algorithms developed to predict the effect of sequence changes on RNA splicing suggest that this variant may disrupt the consensus splice site. This variant has not been reported in the literature in individuals affected with NBAS-related conditions. This variant is present in population databases (no rsID available, gnomAD 0.003%). This sequence change affects a donor splice site in intron 17 of the NBAS gene. It is expected to disrupt RNA splicing. Variants that disrupt the donor or acceptor splice site typically lead to a loss of protein function (PMID: 16199547), and loss-of-function variants in NBAS are known to be pathogenic (PMID: 26073778, 26541327, 27789416, 28031453).

Literature cited by the submitters: PubMed 16199547; PubMed 26073778; PubMed 26541327; PubMed 27789416; PubMed 28031453.